The following is an entry in ClinVar:

ClinVar aggregate classification (germline): Uncertain significance (1 of 4 stars; one submission).

Conditions:
EPILEPSY, CHILDHOOD ABSENCE, SUSCEPTIBILITY TO, 2 (ECA2). Identifiers: Orphanet 64280, MedGen C1843244, OMIM 607681.
Febrile seizures, familial, 8 (FEB8). Also called: CONVULSIONS, FAMILIAL FEBRILE, 8. Identifiers: Orphanet 36387, MedGen C1969810, MONDO:0011891, OMIM 607681.

Submission:

Labcorp Genetics (formerly Invitae), Labcorp
Classification: Uncertain significance for Febrile seizures, familial, 8; EPILEPSY, CHILDHOOD ABSENCE, SUSCEPTIBILITY TO, 2. Last evaluated: 2022-03-22. Review status: criteria provided, single submitter. Criteria: Invitae Variant Classification Sherloc (09022015). Collection method: clinical testing. Allele origin: germline.
Comment: In summary, the available evidence is currently insufficient to determine the role of this variant in disease. Therefore, it has been classified as a Variant of Uncertain Significance. Advanced modeling of protein sequence and biophysical properties (such as structural, functional, and spatial information, amino acid conservation, physicochemical variation, residue mobility, and thermodynamic stability) performed at Invitae indicates that this missense variant is expected to disrupt GABRG2 protein function. This variant has not been reported in the literature in individuals affected with GABRG2-related conditions. This variant is not present in population databases (gnomAD no frequency). This sequence change replaces tryptophan, which is neutral and slightly polar, with arginine, which is basic and polar, at codon 461 of the GABRG2 protein (p.Trp461Arg).

NM_198904.4(GABRG2):c.1405T>C (p.Trp469Arg)

Gene: GABRG2 (gamma-aminobutyric acid type A receptor subunit gamma2; plus strand). Cytogenetic location: 5q34.
Variant type: single nucleotide variant.
Coding change: c.1405T>C on transcript NM_198904.4 (MANE Select); coding-DNA position 1405, T replaced by C.
Protein change: p.Trp469Arg; replaces tryptophan 469 with arginine.
Molecular consequence: missense variant. On other transcripts: 3 prime UTR variant (1).
Genome position (GRCh38, 1-based): chr5:162,153,345, T>C. VCF-style: chr5-162153345-T-C. GRCh37 (hg19) VCF-style: chr5-161580351-T-C.
Other names: c.1381T>C, p.Trp461Arg (NM_000816.3); c.1396T>C, p.Trp466Arg (NM_001375339.1); c.*239T>C (NM_001375340.1); c.1402T>C, p.Trp468Arg (NM_001375341.1); c.1378T>C, p.Trp460Arg (NM_001375342.1); c.1501T>C, p.Trp501Arg (NM_001375343.1); c.1444T>C, p.Trp482Arg (NM_001375344.1); c.1315T>C, p.Trp439Arg (NM_001375345.1); and 6 more; short protein forms W321R, W440R, W439R, W468R, W329R, W366R, W447R, W501R.
Identifiers: ClinVar variation 1481996 (VCV001481996.6), dbSNP rs2113651577, ClinGen allele CA362184171.